The following is an entry in ClinVar:

ClinVar aggregate classification (germline): Uncertain significance (1 of 4 stars; one submission).

gnomAD v4.1: 17 of 1,614,032 alleles (0.0011%); highest among the groups gnomAD compares: Middle Eastern, 0.033%; no homozygotes.

Submission:

Labcorp Genetics (formerly Invitae), Labcorp
Classification: Uncertain significance. Last evaluated: 2025-09-15. Review status: criteria provided, single submitter. Criteria: Invitae Variant Classification Sherloc (09022015). Collection method: clinical testing. Allele origin: germline.
Comment: This sequence change replaces leucine, which is neutral and non-polar, with proline, which is neutral and non-polar, at codon 356 of the MYSM1 protein (p.Leu356Pro). This variant is present in population databases (rs373078499, gnomAD 0.002%). This variant has not been reported in the literature in individuals affected with MYSM1-related conditions. Invitae Evidence Modeling of protein sequence and biophysical properties (such as structural, functional, and spatial information, amino acid conservation, physicochemical variation, residue mobility, and thermodynamic stability) indicates that this missense variant is not expected to disrupt MYSM1 protein function with a negative predictive value of 80%. In summary, the available evidence is currently insufficient to determine the role of this variant in disease. Therefore, it has been classified as a Variant of Uncertain Significance.

NM_001085487.3(MYSM1):c.1067T>C (p.Leu356Pro)

Gene: MYSM1 (Myb like, SWIRM and MPN domains 1; minus strand). Cytogenetic location: 1p32.1.
Variant type: single nucleotide variant.
Coding change: c.1067T>C on transcript NM_001085487.3 (MANE Select); coding-DNA position 1067, T replaced by C.
Protein change: p.Leu356Pro; replaces leucine 356 with proline.
Molecular consequence: missense variant.
Genome position (GRCh38, 1-based): chr1:58,681,977, A>G on the plus strand (T>C on the coding strand, the complement: MYSM1 is on the minus strand). VCF-style: chr1-58681977-A-G. GRCh37 (hg19) VCF-style: chr1-59147649-A-G.
Other names: short protein forms L356P.
Identifiers: ClinVar variation 4708498 (VCV004708498.1).